The following is an entry in ClinVar:

NM_000277.3(PAH):c.185T>C (p.Leu62Pro)

Gene: PAH (phenylalanine hydroxylase; minus strand). Cytogenetic location: 12q23.2.
Variant type: single nucleotide variant.
Coding change: c.185T>C on transcript NM_000277.3 (MANE Select); coding-DNA position 185, T replaced by C.
Protein change: p.Leu62Pro; replaces leucine 62 with proline.
Molecular consequence: missense variant.
Genome position (GRCh38, 1-based): chr12:102,894,902, A>G on the plus strand (T>C on the coding strand, the complement: PAH is on the minus strand). VCF-style: chr12-102894902-A-G. GRCh37 (hg19) VCF-style: chr12-103288680-A-G.
Other names: c.185T>C, p.Leu62Pro (NM_001354304.2); short protein forms L62P.
Identifiers: ClinVar variation 872838 (VCV000872838.2), dbSNP rs1877437661, ClinGen allele CA16020739.

ClinVar aggregate classification (germline): Likely pathogenic. Review status: reviewed by expert panel (3 of 4 stars). 2 submissions from 2 submitters: Likely pathogenic (1). 1 of the submissions does not count toward it. Last evaluated 2020-01-29.

Conditions:
Phenylketonuria (PKU). Also called: FOLLING DISEASE; Phenylketonuria (PKU); OLIGOPHRENIA PHENYLPYRUVICA; Phenylketonurias. Identifiers: Orphanet 716, MedGen C0031485, MONDO:0009861, OMIM 261600. Disease mechanism: loss of function.

Submissions (2):

ClinGen PAH Variant Curation Expert Panel
Classification: Likely pathogenic for Phenylketonuria. Last evaluated: 2020-01-29. Review status: reviewed by expert panel. Criteria: ClinGen PAH ACMG Specifications v1. Collection method: curation. Allele origin: germline. Inheritance: Autosomal recessive inheritance.
Comment: The c.185T>C (p.Leu62Pro) variant in PAH has been reported in 1 individual with classic PKU (BH4 deficiency not assessed/reported). (PP4; PMID: 22513348). This variant is absent in population databases (PM2). This variant was detected with p.R408W (Pathogenic in ClinVar) (PM3; PMID: 22513348). Multiple lines of computational evidence support a deleterious effect (PP3). In summary, this variant meets criteria to be classified as likely pathogenic for PAH. PAH-specific ACMG/AMP criteria applied: PP4, PM2, PM3, PP3.

Women's Health and Genetics/Laboratory Corporation of America, LabCorp
Classification: Uncertain significance. Last evaluated: 2025-02-17. Review status: criteria provided, single submitter. Criteria: LabCorp Variant Classification Summary - May 2015. Collection method: clinical testing. Allele origin: germline. Not counted in ClinVar's aggregate classification.
Comment: Variant summary: PAH c.185T>C (p.Leu62Pro) results in a non-conservative amino acid change in the encoded protein sequence. Five of five in-silico tools predict a damaging effect of the variant on protein function. The variant was absent in 250972 control chromosomes (gnomAD). The available data on variant occurrences in the general population are insufficient to allow any conclusion about variant significance. c.185T>C has been reported in the literature in an individual affected with Phenylalanine Hydroxylase Deficiency (Phenylketonuria) who was compound heterozygous with a pathogenic variant (Groselj_2012). These data do not allow any conclusion about variant significance. To our knowledge, no experimental evidence demonstrating an impact on protein function has been reported. The following publication has been ascertained in the context of this evaluation (PMID: 22513348). ClinVar contains an entry for this variant (Variation ID: 872838). Based on the evidence outlined above, the variant was classified as uncertain significance.

Literature cited by the submitters: PubMed 22513348 (cited by ClinGen PAH Variant Curation Expert Panel and Women's Health and Genetics/Laboratory Corporation of America, LabCorp).